The following is an entry in ClinVar:

Conditions:
Breast-ovarian cancer, familial, susceptibility to, 1 (BROVCA1). Also called: BRCA1 Hereditary Breast and Ovarian Cancer; OVARIAN CANCER, SUSCEPTIBILITY TO. Identifiers: Orphanet 145, MedGen C2676676, MONDO:0011450, OMIM 604370. Disease mechanism: loss of function.

Submission:

Brotman Baty Institute, University of Washington
No classification provided (evidence only). Condition: Breast-ovarian cancer, familial 1. Review status: no classification provided. Collection method: in vitro. Allele origin: not applicable. Functional consequence: functionally_normal.
ClinVar note: "not provided" was previously submitted as the classification for the variant. However, the classification appeared to be based only on an observation of functional data so it was converted to no classification on 2025-07-30.

NM_007294.4(BRCA1):c.5500A>T (p.Thr1834Ser)

Gene: BRCA1 (BRCA1 DNA repair associated; minus strand). Cytogenetic location: 17q21.31.
Variant type: single nucleotide variant.
Coding change: c.5500A>T on transcript NM_007294.4 (MANE Select); coding-DNA position 5500, A replaced by T.
Protein change: p.Thr1834Ser; replaces threonine 1834 with serine.
Molecular consequence: missense variant. On other transcripts: 3 prime UTR variant (1), non-coding transcript variant (1).
Genome position (GRCh38, 1-based): chr17:43,045,770, T>A on the plus strand (A>T on the coding strand, the complement: BRCA1 is on the minus strand). VCF-style: chr17-43045770-T-A. GRCh37 (hg19) VCF-style: chr17-41197787-T-A.
Other names: c.5368A>T, p.Thr1790Ser (NM_001407690.1, NM_001407691.1); c.5359A>T, p.Thr1787Ser (NM_001407692.1, NM_001407694.1, NM_001407695.1 and 12 more transcripts); c.2188A>T, p.Thr730Ser (NM_001407991.1, NM_001407992.1, NM_001407993.1 and 11 more transcripts); c.2185A>T, p.Thr729Ser (NM_001408392.1, NM_001408396.1, NM_001408397.1 and 7 more transcripts); c.5497A>T, p.Thr1833Ser (NM_001407611.1, NM_001407612.1, NM_001407613.1 and 14 more transcripts); c.5494A>T, p.Thr1832Ser (NM_001407630.1, NM_001407631.1, NM_001407632.1 and 13 more transcripts); c.5422A>T, p.Thr1808Ser (NM_001407652.1, NM_001407653.1, NM_001407654.1 and 1 more transcripts); c.5419A>T, p.Thr1807Ser (NM_001407656.1, NM_001407657.1, NM_001407658.1); and 74 more; short protein forms T730S, T1787S, T1834S, T1855S, T1680S, T1705S, T1765S, T1766S.
Identifiers: ClinVar variation 868990 (VCV000868990.3), dbSNP rs2050880456, ClinGen allele CA10590308.